The following is an entry in ClinVar:

ClinVar aggregate classification (germline): not provided (0 of 4 stars; one submission).

Conditions:
Gestational diabetes mellitus uncontrolled. Identifiers: MedGen C3532257.

Submission:

Institute of Molecular and Cell Biology, University of Tartu
No classification provided. Condition: Gestational diabetes mellitus uncontrolled. Review status: no classification provided. Collection method: case-control. Allele origin: unknown. Affected: yes. Study: Kasak2014.
Comment: The study aimed to determine the contribution of copy number variants in the genetic etiology of normal and complicated pregnancies. The samples represented (i) maternal blood DNA drawn from healthy pregnant women during 1st or 2nd trimester and (ii) maternal and paternal blood DNA drawn at term pregnancy cases representing normal and complicated gestations (severe preeclampsia, PE; gestational diabetes, GD; small-for-gestational age newborn, SGA; large-for-gestational age newborn, LGA). We performed CNV calling based on genome-wide genotyping dataset (Illumina HumanOmniExpress-24-v1 BeadChip) by applying three algorithms, QuantiSNP, GADA (Genome Alteration Detection Algorithm) and CNstream in parallel. The acquired CNV calls were merged with HD-CNV (Hotspot Detector for Copy Number Variants) program and only the CNVs predicted by at least two programs, were considered in subsequent analysis.

Literature cited by the submitters: PubMed 25666259.

Single allele

Variant type: Deletion.
Identifiers: ClinVar variation 156781 (VCV000156781.2).